The following is an entry in ClinVar:

NM_006269.2(RP1):c.830C>G (p.Ser277Cys)

Gene: RP1 (RP1 axonemal microtubule associated; plus strand). Cytogenetic location: 8q12.1.
Variant type: single nucleotide variant.
Coding change: c.830C>G on transcript NM_006269.2 (MANE Select); coding-DNA position 830, C replaced by G.
Protein change: p.Ser277Cys; replaces serine 277 with cysteine.
Molecular consequence: missense variant. On other transcripts: intron variant (1).
Genome position (GRCh38, 1-based): chr8:54,624,712, C>G. VCF-style: chr8-54624712-C-G. GRCh37 (hg19) VCF-style: chr8-55537272-C-G.
Other names: c.787+2424C>G (NM_001375654.1); short protein forms S277C.
Identifiers: ClinVar variation 846811 (VCV000846811.11), dbSNP rs267601949, ClinGen allele CA370988672.

ClinVar aggregate classification (germline): Uncertain significance. Review status: criteria provided, multiple submitters, no conflicts (2 of 4 stars). 3 submissions from 3 submitters: Uncertain significance (3). Last evaluated 2025-08-21.

Conditions:
Inborn genetic diseases. Identifiers: MedGen C0950123, MeSH D030342.

Allele frequency attached by ClinVar (database versions not stated): TOPMed below 0.00001.
gnomAD v4.1: 1 of 1,613,864 alleles (0.000062%); highest among the groups gnomAD compares: Non-Finnish European, 0.000085%; no homozygotes.

Submissions (3):

Ambry Genetics
Classification: Uncertain significance for Inborn genetic diseases. Last evaluated: 2025-08-21. Review status: criteria provided, single submitter. Criteria: Ambry Variant Classification Scheme 2023. Collection method: clinical testing. Allele origin: germline.

Labcorp Genetics (formerly Invitae), Labcorp
Classification: Uncertain significance. Last evaluated: 2019-12-12. Review status: criteria provided, single submitter. Criteria: Invitae Variant Classification Sherloc (09022015). Collection method: clinical testing. Allele origin: germline.
Comment: In summary, the available evidence is currently insufficient to determine the role of this variant in disease. Therefore, it has been classified as a Variant of Uncertain Significance. Algorithms developed to predict the effect of missense changes on protein structure and function (SIFT, PolyPhen-2, Align-GVGD) all suggest that this variant is likely to be disruptive, but these predictions have not been confirmed by published functional studies and their clinical significance is uncertain. This variant has not been reported in the literature in individuals with RP1-related conditions. This variant is not present in population databases (ExAC no frequency). This sequence change replaces serine with cysteine at codon 277 of the RP1 protein (p.Ser277Cys). The serine residue is highly conserved and there is a moderate physicochemical difference between serine and cysteine.

Blueprint Genetics
Classification: Uncertain significance. Last evaluated: 2019-09-12. Review status: criteria provided, single submitter. Criteria: ACMG Guidelines, 2015. Collection method: clinical testing. Allele origin: germline.